The following is an entry in ClinVar:

ClinVar aggregate classification (germline): Conflicting classifications of pathogenicity. Review status: criteria provided, conflicting classifications (1 of 4 stars). 7 submissions from 7 submitters: Uncertain significance (2); Likely benign (3). 2 of the submissions do not count toward it. Last evaluated 2026-09-01.

Conditions:
RP1L1-related disorder. Also called: RP1L1-related condition.
Occult macular dystrophy (OCMD). Also called: OMD; OCCULT MACULAR DYSTROPHY, SUSCEPTIBILITY TO. Identifiers: Orphanet 247834, MedGen C3150833, MONDO:0013316, OMIM 613587, HP:0030636.
Inborn genetic diseases. Identifiers: MedGen C0950123, MeSH D030342.

Allele frequency attached by ClinVar (database versions not stated): gnomAD 0.00002 and 0.00004; TOPMed 0.00005; ExAC 0.00008; gnomAD exomes 0.00008.
gnomAD v4.1: 124 of 1,613,690 alleles (0.0077%); highest among the groups gnomAD compares: Middle Eastern, 0.71%; 2 homozygotes.

Submissions (7):

CeGaT Center for Human Genetics Tuebingen
Classification: Likely benign. Last evaluated: 2026-09-01. Review status: criteria provided, single submitter. Criteria: CeGaT Center For Human Genetics Tuebingen Variant Classification Criteria Version 2. Collection method: clinical testing. Allele origin: germline. Affected: yes. Observed: 1 variant allele.
Comment: RP1L1: BP4

PreventionGenetics, part of Exact Sciences
Classification: Uncertain significance for RP1L1-related condition. Last evaluated: 2026-05-31. Review status: criteria provided, single submitter. Criteria: ACMG Guidelines, 2015. Collection method: clinical testing. Allele origin: germline.
Comment: The RP1L1 c.917G>C variant is predicted to result in the amino acid substitution p.Gly306Ala. To our knowledge, this variant has not been reported in the literature. This variant is reported in 0.010% of alleles in individuals of European (Non-Finnish) descent in gnomAD. At this time, the clinical significance of this variant is uncertain due to the absence of conclusive functional and genetic evidence.

Ambry Genetics
Classification: Uncertain significance for Inborn genetic diseases. Last evaluated: 2025-02-25. Review status: criteria provided, single submitter. Criteria: Ambry Variant Classification Scheme 2023. Collection method: clinical testing. Allele origin: germline.

Blueprint Genetics
Classification: Likely benign. Last evaluated: 2024-11-04. Review status: criteria provided, single submitter. Criteria: ACMG Guidelines, 2015. Collection method: clinical testing. Allele origin: germline.

Illumina Laboratory Services, Illumina
Classification: Likely benign for Occult macular dystrophy. Last evaluated: 2018-01-12. Review status: criteria provided, single submitter. Criteria: ICSL Variant Classification Criteria 13 December 2019. Collection method: clinical testing. Allele origin: germline.
Comment: This variant was observed in the ICSL laboratory as part of a predisposition screen in an ostensibly healthy population. It had not been previously curated by ICSL or reported in the Human Gene Mutation Database (HGMD: prior to June 1st, 2018), and was therefore a candidate for classification through an automated scoring system. Utilizing variant allele frequency, disease prevalence and penetrance estimates, and inheritance mode, an automated score was calculated to assess if this variant is too frequent to cause the disease. Based on the score and internal cut-off values, a variant classified as likely benign is not then subjected to further curation. The score for this variant resulted in a classification of likely benign for this disease.

Clinical Genetics DNA and cytogenetics Diagnostics Lab, Erasmus MC, Erasmus Medical Center
Classification: Likely benign. Review status: no assertion criteria provided. Collection method: clinical testing. Allele origin: germline. Affected: yes. Study: VKGL Data-share Consensus. Not counted in ClinVar's aggregate classification.

Clinical Genetics, Academic Medical Center
Classification: Likely benign. Review status: no assertion criteria provided. Collection method: clinical testing. Allele origin: germline. Affected: yes. Study: VKGL Data-share Consensus. Not counted in ClinVar's aggregate classification.

NM_178857.6(RP1L1):c.917G>C (p.Gly306Ala)

Gene: RP1L1 (RP1 like 1). Cytogenetic location: 8p23.1.
Variant type: single nucleotide variant.
Coding change: c.917G>C on transcript NM_178857.6 (MANE Select); coding-DNA position 917, G replaced by C.
Protein change: p.Gly306Ala; replaces glycine 306 with alanine.
Molecular consequence: missense variant.
Genome position (GRCh38, 1-based): chr8:10,613,181, C>G on the plus strand (G>C on the coding strand, the complement: RP1L1 is on the minus strand). VCF-style: chr8-10613181-C-G. GRCh37 (hg19) VCF-style: chr8-10470691-C-G.
Other names: short protein forms G306A.
Identifiers: ClinVar variation 911707 (VCV000911707.13), dbSNP rs761314438, ClinGen allele CA4625392.